The following is an entry in ClinVar:

ClinVar aggregate classification (germline): Likely benign. Review status: criteria provided, single submitter (1 of 4 stars). 2 submissions from 2 submitters: Likely benign (1). 1 of the submissions does not count toward it. Last evaluated 2024-11-13.

Conditions:
NALCN-related disorder. Also called: NALCN-related disorders; NALCN-related condition.

Allele frequency attached by ClinVar (database versions not stated): ExAC 0.00001; gnomAD exomes 0.00001; gnomAD 0.00002; TOPMed 0.00002.
gnomAD v4.1: 21 of 1,613,164 alleles (0.0013%); highest among the groups gnomAD compares: Middle Eastern, 0.017%; no homozygotes.

Submissions (2):

Labcorp Genetics (formerly Invitae), Labcorp
Classification: Likely benign. Last evaluated: 2024-11-13. Review status: criteria provided, single submitter. Criteria: Invitae Variant Classification Sherloc (09022015). Collection method: clinical testing. Allele origin: germline.

PreventionGenetics, part of Exact Sciences
Classification: Likely benign for NALCN-related condition. Last evaluated: 2019-12-13. Review status: no assertion criteria provided. Collection method: clinical testing. Allele origin: germline. Not counted in ClinVar's aggregate classification.
Comment: This variant is classified as likely benign based on ACMG/AMP sequence variant interpretation guidelines (Richards et al. 2015 PMID: 25741868, with internal and published modifications).

NM_052867.4(NALCN):c.3036C>T (p.Ser1012=)

Gene: NALCN (sodium leak channel, non-selective; minus strand). Cytogenetic location: 13q33.1.
Variant type: single nucleotide variant.
Coding change: c.3036C>T on transcript NM_052867.4 (MANE Select); coding-DNA position 3036, C replaced by T.
Protein change: p.Ser1012=; no amino-acid change (serine 1012 retained).
Molecular consequence: synonymous variant.
Genome position (GRCh38, 1-based): chr13:101,103,193, G>A on the plus strand (C>T on the coding strand, the complement: NALCN is on the minus strand). VCF-style: chr13-101103193-G-A. GRCh37 (hg19) VCF-style: chr13-101755544-G-A.
Other names: c.3036C>T (NM_052867.2); c.3123C>T, p.Ser1041= (NM_001350748.2); c.3036C>T, p.Ser1012= (NM_001350749.2); c.2949C>T, p.Ser983= (NM_001350750.2, NM_001350751.2).
Identifiers: ClinVar variation 2973384 (VCV002973384.5), dbSNP rs760941305, ClinGen allele CA7035522.